The following is an entry in ClinVar:

ClinVar aggregate classification (germline): Pathogenic. Review status: reviewed by expert panel (3 of 4 stars). 2 submissions from 2 submitters: Pathogenic (1). 1 of the submissions does not count toward it. Last evaluated 2023-12-09.

Conditions:
Hereditary thrombocytopenia and hematological cancer predisposition syndrome associated with RUNX1. Also called: Familial Platelet Disorder with Propensity to Acute Myelogenous Leukemia; Familial thrombocytopenia with propensity to acute myelogenous leukemia; RUNX1 Familial Platelet Disorder with Associated Myeloid Malignancies; PLATELET DISORDER, ASPIRIN-LIKE. Identifiers: Orphanet 71290, MedGen C1832388, MeSH C563324, MONDO:0100083, OMIM 601399.
Hereditary thrombocytopenia and hematologic cancer predisposition syndrome. Identifiers: Orphanet 71290, MedGen CN281654, MONDO:0011071.

Submissions (2):

ClinGen Myeloid Malignancy Variant Curation Expert Panel
Classification: Pathogenic for Hereditary thrombocytopenia and hematologic cancer predisposition syndrome. Last evaluated: 2023-12-09. Review status: reviewed by expert panel. Criteria: ClinGen MyeloMalig ACMG Specifications v2. Collection method: curation. Allele origin: germline. Inheritance: Autosomal dominant inheritance.
Comment: NM_001754.5(RUNX1):c.289_299delinsCTCCTTCCGCTG (p.Phe97fs) is a frameshift variant. The transcript product is predicted to undergo NMD (PVS1). This variant is completely absent from all population databases with at least 20x coverage for RUNX1 in gnomAD v2.1.1 and v3.1.2 (PM2_supporting). This variant was reported in ClinVar in 2018 by Invitae but the affected status of the proband is unknown (Variation ID 647118). This variant is a frameshift change or agreement in splicing predictors (SSF and MES) showing no splicing effects (PM5_Supporting). In summary, this variant meets the criteria to be classified as pathogenic. ACMG/AMP criteria applied, as specified by the Myeloid Malignancy Variant Curation Expert Panel for RUNX1: PVS1, PM2_supporting, PM5_supporting.

Labcorp Genetics (formerly Invitae), Labcorp
Classification: Pathogenic for Hereditary thrombocytopenia and hematological cancer predisposition syndrome associated with RUNX1. Last evaluated: 2018-09-18. Review status: criteria provided, single submitter. Criteria: Invitae Variant Classification Sherloc (09022015). Collection method: clinical testing. Allele origin: germline. Not counted in ClinVar's aggregate classification.
Comment: This sequence change creates a premature translational stop signal (p.Phe97Leufs*41) in the RUNX1 gene. It is expected to result in an absent or disrupted protein product. This variant is not present in population databases (ExAC no frequency). This variant has not been reported in the literature in individuals with RUNX1-related disease. Loss-of-function variants in RUNX1 are known to be pathogenic (PMID: 18723428, 24100448). For these reasons, this variant has been classified as Pathogenic.

Literature cited by the submitters: PubMed 18723428 (cited by Labcorp Genetics (formerly Invitae), Labcorp); PubMed 24100448 (cited by Labcorp Genetics (formerly Invitae), Labcorp).

NM_001754.5(RUNX1):c.289_299delinsCTCCTTCCGCTG (p.Phe97fs)

Gene: RUNX1 (RUNX family transcription factor 1; minus strand). Cytogenetic location: 21q22.12.
Variant type: Indel.
Coding change: c.289_299delinsCTCCTTCCGCTG on transcript NM_001754.5 (MANE Select); coding-DNA positions 289 to 299, TTCCTCTGCTC replaced by CTCCTTCCGCTG.
Protein change: p.Phe97fs; shifts the reading frame from phenylalanine 97.
Molecular consequence: frameshift variant.
Genome position (GRCh38, 1-based): chr21:34,886,895-34,886,905, GAGCAGAGGAA replaced by CAGCGGAAGGAG on the plus strand (TTCCTCTGCTC replaced by CTCCTTCCGCTG on the coding strand, the reverse complement: RUNX1 is on the minus strand). VCF-style: chr21-34886895-GAGCAGAGGAA-CAGCGGAAGGAG. GRCh37 (hg19) VCF-style: chr21-36259192-GAGCAGAGGAA-CAGCGGAAGGAG.
Other names: NM_001754.5(RUNX1):c.289_299delinsCTCCTTCCGCTG; p.Phe97fs; c.208_218delinsCTCCTTCCGCTG, p.Phe70fs (NM_001001890.3, NM_001122607.2); short protein forms F70fs, F97fs.
Identifiers: ClinVar variation 647118 (VCV000647118.6), dbSNP rs1601528701, ClinGen allele CA915952644.